The following is an entry in ClinVar:

ClinVar aggregate classification (germline): Likely benign. Review status: criteria provided, single submitter (1 of 4 stars). 2 submissions from 2 submitters: Likely benign (1). 1 of the submissions does not count toward it. Last evaluated 2022-10-10.

Conditions:
ACTN1-related disorder. Also called: ACTN1-related condition.

Allele frequency attached by ClinVar (database versions not stated): gnomAD 0.00001; TOPMed 0.00004; gnomAD exomes 0.00002; ExAC 0.00003.
gnomAD v4.1: 14 of 1,614,050 alleles (0.00087%); highest among the groups gnomAD compares: Admixed American, 0.023%; no homozygotes.

Submissions (2):

Labcorp Genetics (formerly Invitae), Labcorp
Classification: Likely benign. Last evaluated: 2022-10-10. Review status: criteria provided, single submitter. Criteria: Invitae Variant Classification Sherloc (09022015). Collection method: clinical testing. Allele origin: germline.

PreventionGenetics, part of Exact Sciences
Classification: Likely benign for ACTN1-related condition. Last evaluated: 2023-08-29. Review status: no assertion criteria provided. Collection method: clinical testing. Allele origin: germline. Not counted in ClinVar's aggregate classification.
Comment: This variant is classified as likely benign based on ACMG/AMP sequence variant interpretation guidelines (Richards et al. 2015 PMID: 25741868, with internal and published modifications).

NM_001130004.2(ACTN1):c.315C>A (p.Val105=)

Gene: ACTN1 (actinin alpha 1; minus strand). Cytogenetic location: 14q24.1.
Variant type: single nucleotide variant.
Coding change: c.315C>A on transcript NM_001130004.2 (MANE Select); coding-DNA position 315, C replaced by A.
Protein change: p.Val105=; no amino-acid change (valine 105 retained).
Molecular consequence: synonymous variant.
Genome position (GRCh38, 1-based): chr14:68,921,031, G>T on the plus strand (C>A on the coding strand, the complement: ACTN1 is on the minus strand). VCF-style: chr14-68921031-G-T. GRCh37 (hg19) VCF-style: chr14-69387748-G-T.
Other names: c.315C>A, p.Val105= (NM_001102.4, NM_001130005.2, NM_001411035.1); c.120C>A, p.Val40= (NM_001411036.1).
Identifiers: ClinVar variation 2067497 (VCV002067497.6), dbSNP rs757298976, ClinGen allele CA7242752.